The following is an entry in ClinVar:

NM_005653.5(TFCP2):c.1472-6dup

Gene: TFCP2 (transcription factor CP2; minus strand). Cytogenetic location: 12q13.12.
Variant type: Duplication.
Coding change: c.1472-6dup on transcript NM_005653.5 (MANE Select); 6 bases into the intron before coding-DNA position 1472, one base duplicated (T; older notation c.1472-6dupT).
Molecular consequence: intron variant.
Genome position (GRCh38, 1-based): chr12:51,095,284, A duplicated on the plus strand (T on the coding strand, the reverse complement: TFCP2 is on the minus strand); the first of 8 consecutive A bases (chr12:51,095,284-51,095,291); duplicating any one gives the same sequence. VCF-style (leftmost placement, unchanged base first): chr12-51095283-T-TA. GRCh37 (hg19) VCF-style: chr12-51489066-T-TA.
Other names: c.1319-9dup (NM_001173453.2); c.1472-9dup (NM_001173452.2).
Identifiers: ClinVar variation 3355102 (VCV003355102.1).

ClinVar aggregate classification (germline): Likely benign (0 of 4 stars; one submission).

Conditions:
TFCP2-related disorder. Also called: TFCP2-related condition.

Submission:

PreventionGenetics, part of Exact Sciences
Classification: Likely benign for TFCP2-related condition. Last evaluated: 2019-03-05. Review status: no assertion criteria provided. Collection method: clinical testing. Allele origin: germline.
Comment: This variant is classified as likely benign based on ACMG/AMP sequence variant interpretation guidelines (Richards et al. 2015 PMID: 25741868, with internal and published modifications).